The following is an entry in ClinVar:

NM_006389.5(HYOU1):c.1386G>A (p.Leu462=)

Gene: HYOU1 (hypoxia up-regulated 1; minus strand). Cytogenetic location: 11q23.3.
Variant type: single nucleotide variant.
Coding change: c.1386G>A on transcript NM_006389.5 (MANE Select); coding-DNA position 1386, G replaced by A.
Protein change: p.Leu462=; no amino-acid change (leucine 462 retained).
Molecular consequence: synonymous variant.
Genome position (GRCh38, 1-based): chr11:119,051,578, C>T on the plus strand (G>A on the coding strand, the complement: HYOU1 is on the minus strand). VCF-style: chr11-119051578-C-T. GRCh37 (hg19) VCF-style: chr11-118922290-C-T.
Other names: c.1386G>A, p.Leu462= (NM_001130991.3, NM_001411041.1).
Identifiers: ClinVar variation 2725638 (VCV002725638.3), dbSNP rs1944442185, ClinGen allele CA2003806699.
Genomic context (GRCh38, chr11:119,051,578, plus strand): 5'-GATGACTTTGCGTTGAGGGTAGGGCCCCATCCGAGAGAAGAGTACCCGTTTATTGTGCTT[C>T]AGGCTGTGAATCCCAGGCTCCTCCTCCACCTCCCTCGTGAACTCCACCTACACAGCAGGC-3'
Protein context (NP_006380.1, residues 452-472): EVEEEPGIHS[Leu462=]KHNKRVLFSR

ClinVar aggregate classification (germline): Uncertain significance (1 of 4 stars; one submission).

Allele frequency attached by ClinVar (database versions not stated): gnomAD exomes below 0.00001; TOPMed below 0.00001.
gnomAD v4.1: 3 of 1,614,162 alleles (0.00019%); highest among the groups gnomAD compares: Non-Finnish European, 0.00025%; no homozygotes.

Submission:

Labcorp Genetics (formerly Invitae), Labcorp
Classification: Uncertain significance. Last evaluated: 2023-01-30. Review status: criteria provided, single submitter. Criteria: Invitae Variant Classification Sherloc (09022015). Collection method: clinical testing. Allele origin: germline.
Comment: This sequence change affects codon 462 of the HYOU1 mRNA. It is a 'silent' change, meaning that it does not change the encoded amino acid sequence of the HYOU1 protein. This variant is not present in population databases (gnomAD no frequency). This variant has not been reported in the literature in individuals affected with HYOU1-related conditions. In summary, the available evidence is currently insufficient to determine the role of this variant in disease. Therefore, it has been classified as a Variant of Uncertain Significance.